The following is an entry in ClinVar:

NM_144573.4(NEXN):c.1682AAG[1] (p.Glu562del)

Gene: NEXN (nexilin F-actin binding protein; plus strand). Cytogenetic location: 1p31.1.
Variant type: Microsatellite.
Coding change: c.1682AAG[1] on transcript NM_144573.4 (MANE Select); one copy of the 3-base unit AAG starting at c.1682; the reference has two copies in a row; one copy, 3 bases deleted.
Protein change: p.Glu562del; deletes glutamic acid 562.
Molecular consequence: inframe deletion.
Genome position (GRCh38, 1-based): chr1:77,942,486-77,942,488, AAG deleted; deleting any 3 consecutive bases within chr1:77,942,482-77,942,488 gives the same sequence; the position shown is the placement nearest the transcript's 3' end. VCF-style (leftmost placement, unchanged base first): chr1-77942481-GGAA-G. GRCh37 (hg19) VCF-style: chr1-78408166-GGAA-G.
Other names: c.1490AAG[1], p.Glu498del (NM_001172309.2); short protein forms E498del, E562del.
Identifiers: ClinVar variation 1027268 (VCV001027268.7), dbSNP rs1228931205, ClinGen allele CA524231005.

ClinVar aggregate classification (germline): Uncertain significance (1 of 4 stars; one submission).

Conditions:
Hypertrophic cardiomyopathy 20. Identifiers: MedGen C3151267, MONDO:0013477, OMIM 613876.
Dilated cardiomyopathy 1CC (CMD1CC). Identifiers: Orphanet 154, MedGen C2751084, MONDO:0013147, OMIM 613122.

Submission:

Labcorp Genetics (formerly Invitae), Labcorp
Classification: Uncertain significance for Dilated cardiomyopathy 1CC; Hypertrophic cardiomyopathy 20. Last evaluated: 2020-10-05. Review status: criteria provided, single submitter. Criteria: Invitae Variant Classification Sherloc (09022015). Collection method: clinical testing. Allele origin: germline.
Comment: This variant, c.1685_1687del, results in the deletion of 1 amino acid(s) of the NEXN protein (p.Glu562del), but otherwise preserves the integrity of the reading frame. This variant is not present in population databases (ExAC no frequency). This variant has not been reported in the literature in individuals with NEXN-related conditions. Algorithms developed to predict the effect of sequence changes on RNA splicing suggest that this variant may create or strengthen a splice site, but this prediction has not been confirmed by published transcriptional studies. In summary, the available evidence is currently insufficient to determine the role of this variant in disease. Therefore, it has been classified as a Variant of Uncertain Significance.